The following is an entry in ClinVar:

NM_003676.4(DEGS1):c.201A>T (p.Lys67Asn)

Gene: DEGS1 (delta 4-desaturase, sphingolipid 1; plus strand). Cytogenetic location: 1q42.11.
Variant type: single nucleotide variant.
Coding change: c.201A>T on transcript NM_003676.4 (MANE Select); coding-DNA position 201, A replaced by T.
Protein change: p.Lys67Asn; replaces lysine 67 with asparagine.
Molecular consequence: missense variant.
Genome position (GRCh38, 1-based): chr1:224,189,695, A>T. VCF-style: chr1-224189695-A-T. GRCh37 (hg19) VCF-style: chr1-224377397-A-T.
Other names: c.201A>T, p.Lys67Asn (NM_001321541.2); c.93A>T, p.Lys31Asn (NM_001321542.2); short protein forms K31N, K67N.
Identifiers: ClinVar variation 4086265 (VCV004086265.1).

ClinVar aggregate classification (germline): Likely pathogenic (1 of 4 stars; one submission).

Conditions:
DEGS1-related Hypomyelinating Leukodystrophy.

Submission:

GLIA-CTN Genomics Core
Classification: Likely pathogenic for DEGS1-related Hypomyelinating Leukodystrophy. Last evaluated: 2025-09-03. Review status: criteria provided, single submitter. Criteria: ACMG Guidelines, 2015. Collection method: clinical testing. Allele origin: germline. Inheritance: Autosomal recessive inheritance. Affected: yes. Study: Myelin Disorders Biorepository Project and GLIA-CTN.
Comment: Together, these findings are consistent with a diagnosis of DEGS1-related hypomyelinating leukodystrophy. In summary, this variant meets criteria to be classified as likely pathogenic for DEGS1-relayed hypomyelinating leukodystrophy disease based on the ACMG/AMP criteria applied: PP4_strong, PM3, PM2_supporting